The following is an entry in ClinVar:

ClinVar aggregate classification (germline): Likely benign. Review status: criteria provided, multiple submitters, no conflicts (2 of 4 stars). 4 submissions from 4 submitters: Likely benign (4). Last evaluated 2023-10-27.

Conditions:
RYR1-related disorder. Also called: RYR1-related disorders; RYR1-related condition. Identifiers: MedGen CN239331.
Malignant hyperthermia, susceptibility to, 1 (MHS1). Also called: RYR1-Related Malignant Hyperthermia Susceptibility; Anesthesia related hyperthermia; Malignant hyperpyrexia; Fulminating hyperpyrexia; Pharmacogenic myopathy; Malignant hyperthermia suceptibility 1. Identifiers: Orphanet 423, MedGen C2930980, MONDO:0007783, OMIM 145600.

Allele frequency attached by ClinVar (database versions not stated): gnomAD exomes below 0.00001 and 0.00001; TOPMed below 0.00001; gnomAD 0.00001.
gnomAD v4.1: 10 of 1,614,048 alleles (0.00062%); highest among the groups gnomAD compares: South Asian, 0.0011%; no homozygotes.

Submissions (4):

All of Us Research Program, National Institutes of Health
Classification: Likely benign for Malignant hyperthermia, susceptibility to, 1. Last evaluated: 2023-10-27. Review status: criteria provided, single submitter. Criteria: ACMG Guidelines, 2015. Collection method: clinical testing. Allele origin: germline. Inheritance: Autosomal dominant inheritance. Observed: 1 variant allele, 1 heterozygote.
Comment: This study involves interpretation of variants in research participants for the purpose of population health screening. Participant phenotype was not available at the time of variant classification. Additional details can be found in publication PMID: 35346344, PMCID: PMC8962531

Labcorp Genetics (formerly Invitae), Labcorp
Classification: Likely benign for RYR1-related disorder. Last evaluated: 2023-10-23. Review status: criteria provided, single submitter. Criteria: Invitae Variant Classification Sherloc (09022015). Collection method: clinical testing. Allele origin: germline.

Color Diagnostics, LLC DBA Color Health
Classification: Likely benign for Malignant hyperthermia, susceptibility to, 1. Last evaluated: 2022-11-06. Review status: criteria provided, single submitter. Criteria: ACMG Guidelines, 2015. Collection method: clinical testing. Allele origin: germline.

GeneDx
Classification: Likely benign. Last evaluated: 2016-10-10. Review status: criteria provided, single submitter. Criteria: GeneDx Variant Classification (06012015). Collection method: clinical testing. Allele origin: germline. Affected: yes.
Comment: This variant is considered likely benign or benign based on one or more of the following criteria: it is a conservative change, it occurs at a poorly conserved position in the protein, it is predicted to be benign by multiple in silico algorithms, and/or has population frequency not consistent with disease.

NM_000540.3(RYR1):c.3441C>T (p.Val1147=)

Gene: RYR1 (ryanodine receptor 1; plus strand). Cytogenetic location: 19q13.2.
Variant type: single nucleotide variant.
Coding change: c.3441C>T on transcript NM_000540.3 (MANE Select); coding-DNA position 3441, C replaced by T.
Protein change: p.Val1147=; no amino-acid change (valine 1147 retained).
Molecular consequence: synonymous variant.
Genome position (GRCh38, 1-based): chr19:38,469,025, C>T. VCF-style: chr19-38469025-C-T. GRCh37 (hg19) VCF-style: chr19-38959665-C-T.
Other names: c.3441C>T, p.Val1147= (NM_001042723.2).
Identifiers: ClinVar variation 389708 (VCV000389708.9), dbSNP rs1057523511, ClinGen allele CA16608140.